The following is an entry in ClinVar:

NM_000069.3(CACNA1S):c.221T>G (p.Met74Arg)

Gene: CACNA1S (calcium voltage-gated channel subunit alpha1 S; minus strand). Cytogenetic location: 1q32.1.
Variant type: single nucleotide variant.
Coding change: c.221T>G on transcript NM_000069.3 (MANE Select); coding-DNA position 221, T replaced by G.
Protein change: p.Met74Arg; replaces methionine 74 with arginine.
Molecular consequence: missense variant.
Genome position (GRCh38, 1-based): chr1:201,110,201, A>C on the plus strand (T>G on the coding strand, the complement: CACNA1S is on the minus strand). VCF-style: chr1-201110201-A-C. GRCh37 (hg19) VCF-style: chr1-201079329-A-C.
Other names: c.221T>G (NM_000069.2); short protein forms M74R.
Identifiers: ClinVar variation 3386410 (VCV003386410.3).

ClinVar aggregate classification (germline): Uncertain significance. Review status: criteria provided, multiple submitters, no conflicts (2 of 4 stars). 3 submissions from 3 submitters: Uncertain significance (3). Last evaluated 2024-12-16.

Conditions:
Malignant hyperthermia, susceptibility to, 5 (MHS5). Also called: CACNA1S-Related Malignant Hyperthermia Susceptibility. Identifiers: Orphanet 423, MedGen C1866077, MONDO:0011163, OMIM 601887.
Inborn genetic diseases. Identifiers: MedGen C0950123, MeSH D030342.

Submissions (3):

Ambry Genetics
Classification: Uncertain significance for Inborn genetic diseases. Last evaluated: 2024-12-16. Review status: criteria provided, single submitter. Criteria: Ambry Variant Classification Scheme 2023. Collection method: clinical testing. Allele origin: germline.

GeneDx
Classification: Uncertain significance. Last evaluated: 2024-12-14. Review status: criteria provided, single submitter. Criteria: GeneDx Variant Classification Process June 2021. Collection method: clinical testing. Allele origin: germline. Affected: yes.
Comment: Not observed at significant frequency in large population cohorts (gnomAD); In silico analysis supports that this missense variant has a deleterious effect on protein structure/function; Has not been previously published as pathogenic or benign to our knowledge

All of Us Research Program, National Institutes of Health
Classification: Uncertain significance for Malignant hyperthermia, susceptibility to, 5. Last evaluated: 2024-05-14. Review status: criteria provided, single submitter. Criteria: ACMG Guidelines, 2015. Collection method: clinical testing. Allele origin: germline. Inheritance: Autosomal dominant inheritance. Observed: 1 variant allele, 1 heterozygote.
Comment: This missense variant replaces methionine with arginine at codon 74 of the CACNA1S protein. Computational prediction suggests that this variant may have deleterious impact on protein structure and function (internally defined REVEL score threshold >= 0.7, PMID: 27666373). To our knowledge, functional studies have not been reported for this variant. This variant has not been reported in individuals affected with CACNA1S-related disorders in the literature. This variant has not been identified in the general population by the Genome Aggregation Database (gnomAD). The available evidence is insufficient to determine the role of this variant in disease conclusively. Therefore, this variant is classified as a Variant of Uncertain Significance.

This study involves interpretation of variants in research participants for the purpose of population health screening. Participant phenotype was not available at the time of variant classification. Additional details can be found in publication PMID: 35346344, PMCID: PMC8962531